The following is an entry in ClinVar:

ClinVar aggregate classification (germline): Uncertain significance. Review status: criteria provided, multiple submitters, no conflicts (2 of 4 stars). 3 submissions from 3 submitters: Uncertain significance (3). Last evaluated 2025-03-17.

Conditions:
NPHP1-related disorder. Also called: NPHP1-related disorders; NPHP1-related condition.
Nephronophthisis. Also called: Juvenile Nephronophthisis. Identifiers: Orphanet 655, MedGen C0687120, MONDO:0019005, HP:0000090.

Allele frequency attached by ClinVar (database versions not stated): ExAC 0.00001; gnomAD 0.00001; gnomAD exomes 0.00001; TOPMed 0.00001.
gnomAD v4.1: 19 of 1,613,948 alleles (0.0012%); highest among the groups gnomAD compares: Middle Eastern, 0.016%; no homozygotes.

Submissions (3):

PreventionGenetics, part of Exact Sciences
Classification: Uncertain significance for NPHP1-related condition. Last evaluated: 2025-03-17. Review status: criteria provided, single submitter. Criteria: ACMG Guidelines, 2015. Collection method: clinical testing. Allele origin: germline.
Comment: The NPHP1 c.1981G>A variant is predicted to result in the amino acid substitution p.Val661Met. To our knowledge, this variant has not been reported in the literature. This variant is reported in 0.0026% of alleles in individuals of European (Non-Finnish) descent in gnomAD. At this time, the clinical significance of this variant is uncertain due to the absence of conclusive functional and genetic evidence.

Blueprint Genetics
Classification: Uncertain significance. Last evaluated: 2024-01-09. Review status: criteria provided, single submitter. Criteria: ACMG Guidelines, 2015. Collection method: clinical testing. Allele origin: germline.

Labcorp Genetics (formerly Invitae), Labcorp
Classification: Uncertain significance for Nephronophthisis. Last evaluated: 2022-02-02. Review status: criteria provided, single submitter. Criteria: Invitae Variant Classification Sherloc (09022015). Collection method: clinical testing. Allele origin: germline.
Comment: This sequence change replaces valine, which is neutral and non-polar, with methionine, which is neutral and non-polar, at codon 661 of the NPHP1 protein (p.Val661Met). This variant is present in population databases (rs770956057, gnomAD 0.003%). This variant has not been reported in the literature in individuals affected with NPHP1-related conditions. ClinVar contains an entry for this variant (Variation ID: 1037542). Algorithms developed to predict the effect of missense changes on protein structure and function are either unavailable or do not agree on the potential impact of this missense change (SIFT: "Deleterious"; PolyPhen-2: "Benign"; Align-GVGD: "Class C0"). In summary, the available evidence is currently insufficient to determine the role of this variant in disease. Therefore, it has been classified as a Variant of Uncertain Significance.

NM_001128178.3(NPHP1):c.1813G>A (p.Val605Met)

Gene: NPHP1 (nephrocystin 1; minus strand). Cytogenetic location: 2q13.
Variant type: single nucleotide variant.
Coding change: c.1813G>A on transcript NM_001128178.3 (MANE Select); coding-DNA position 1813, G replaced by A.
Protein change: p.Val605Met; replaces valine 605 with methionine.
Molecular consequence: missense variant. On other transcripts: 3 prime UTR variant (1).
Genome position (GRCh38, 1-based): chr2:110,124,012, C>T on the plus strand (G>A on the coding strand, the complement: NPHP1 is on the minus strand). VCF-style: chr2-110124012-C-T. GRCh37 (hg19) VCF-style: chr2-110881589-C-T.
Other names: c.1981G>A (NM_000272.3); c.1981G>A, p.Val661Met (NM_000272.5); c.1624G>A, p.Val542Met (NM_001128179.3); c.1810G>A, p.Val604Met (NM_001374256.1); c.*55G>A (NM_001374257.1); c.1978G>A, p.Val660Met (NM_207181.4); short protein forms V542M, V605M, V661M, V604M, V660M.
Identifiers: ClinVar variation 1037542 (VCV001037542.8), dbSNP rs770956057, ClinGen allele CA1826864.